The following is an entry in ClinVar:

NM_001122681.2(SH3BP2):c.1123G>A (p.Gly375Arg)

Gene: SH3BP2 (SH3 domain binding protein 2; plus strand). Cytogenetic location: 4p16.3.
Variant type: single nucleotide variant.
Coding change: c.1123G>A on transcript NM_001122681.2 (MANE Select); coding-DNA position 1123, G replaced by A.
Protein change: p.Gly375Arg; replaces glycine 375 with arginine.
Molecular consequence: missense variant.
Genome position (GRCh38, 1-based): chr4:2,830,029, G>A. VCF-style: chr4-2830029-G-A. GRCh37 (hg19) VCF-style: chr4-2831756-G-A.
Other names: c.1123G>A, p.Gly375Arg (LRG_1334t1, NM_003023.4); c.1207G>A, p.Gly403Arg (LRG_1334t2, NM_001145855.2); c.1294G>A, p.Gly432Arg (NM_001145856.2); short protein forms G375R, G403R, G432R.
Identifiers: ClinVar variation 348583 (VCV000348583.16), dbSNP rs375094936, ClinGen allele CA2819390.

ClinVar aggregate classification (germline): Benign/Likely benign. Review status: criteria provided, multiple submitters, no conflicts (2 of 4 stars). 4 submissions from 4 submitters: Benign (1); Likely benign (3). Last evaluated 2025-12-28.

Conditions:
Fibrous dysplasia of jaw (CRBM). Also called: Cherubism. Identifiers: Orphanet 184, MedGen C0008029, MONDO:0007315, OMIM 118400.

Allele frequency attached by ClinVar (database versions not stated): ESP Exome Variant Server 0.00008; gnomAD exomes 0.00008 and 0.00016; gnomAD 0.00014; ExAC 0.00015; TOPMed 0.00015.
gnomAD v4.1: 142 of 1,612,680 alleles (0.0088%); highest among the groups gnomAD compares: Admixed American, 0.073%; no homozygotes.

Submissions (4):

Labcorp Genetics (formerly Invitae), Labcorp
Classification: Likely benign for Fibrous dysplasia of jaw. Last evaluated: 2025-12-28. Review status: criteria provided, single submitter. Criteria: Invitae Variant Classification Sherloc (09022015). Collection method: clinical testing. Allele origin: germline.

Women's Health and Genetics/Laboratory Corporation of America, LabCorp
Classification: Likely benign. Last evaluated: 2025-03-21. Review status: criteria provided, single submitter. Criteria: LabCorp Variant Classification Summary - May 2015. Collection method: clinical testing. Allele origin: germline.
Comment: Variant summary: SH3BP2 c.1123G>A (p.Gly375Arg) results in a non-conservative amino acid change in the encoded protein sequence. Three of five in-silico tools predict a benign effect of the variant on protein function. The variant allele was found at a frequency of 0.00016 in 247626 control chromosomes, predominantly at a frequency of 0.00067 within the Latino subpopulation in the gnomAD database. The observed variant frequency within Latino control individuals in the gnomAD database is approximately 670 fold of the estimated maximal expected allele frequency for a pathogenic variant in SH3BP2 causing Fibrous dysplasia of jaw phenotype (1e-06). To our knowledge, no occurrence of c.1123G>A in individuals affected with Fibrous dysplasia of jaw and no experimental evidence demonstrating its impact on protein function have been reported. ClinVar contains an entry for this variant (Variation ID: 348583). Based on the evidence outlined above, the variant was classified as likely benign.

Blueprint Genetics
Classification: Likely benign. Last evaluated: 2024-05-31. Review status: criteria provided, single submitter. Criteria: ACMG Guidelines, 2015. Collection method: clinical testing. Allele origin: germline.

Illumina Laboratory Services, Illumina
Classification: Benign for Fibrous dysplasia of jaw. Last evaluated: 2018-01-12. Review status: criteria provided, single submitter. Criteria: ICSL Variant Classification Criteria 13 December 2019. Collection method: clinical testing. Allele origin: germline.
Comment: This variant was observed in the ICSL laboratory as part of a predisposition screen in an ostensibly healthy population. It had not been previously curated by ICSL or reported in the Human Gene Mutation Database (HGMD: prior to June 1st, 2018), and was therefore a candidate for classification through an automated scoring system. Utilizing variant allele frequency, disease prevalence and penetrance estimates, and inheritance mode, an automated score was calculated to assess if this variant is too frequent to cause the disease. Based on the score and internal cut-off values, a variant classified as benign is not then subjected to further curation. The score for this variant resulted in a classification of benign for this disease.